The following is an entry in ClinVar:

NM_001365480.1(CCDC88A):c.1859A>G (p.Tyr620Cys)

Gene: CCDC88A (coiled-coil and HOOK domain protein 88A; minus strand). Cytogenetic location: 2p16.1.
Variant type: single nucleotide variant.
Coding change: c.1859A>G on transcript NM_001365480.1 (MANE Select); coding-DNA position 1859, A replaced by G.
Protein change: p.Tyr620Cys; replaces tyrosine 620 with cysteine.
Molecular consequence: missense variant.
Genome position (GRCh38, 1-based): chr2:55,334,962, T>C on the plus strand (A>G on the coding strand, the complement: CCDC88A is on the minus strand). VCF-style: chr2-55334962-T-C. GRCh37 (hg19) VCF-style: chr2-55562098-T-C.
Other names: c.1859A>G, p.Tyr620Cys (NM_001135597.2, NM_001254943.2, NM_018084.5); short protein forms Y620C.
Identifiers: ClinVar variation 1908853 (VCV001908853.5), dbSNP rs140500773, ClinGen allele CA1666059.

ClinVar aggregate classification (germline): Uncertain significance (1 of 4 stars; one submission).

Allele frequency attached by ClinVar (database versions not stated): ExAC 0.00001; ESP Exome Variant Server 0.00008.
gnomAD v4.1: 7 of 1,580,528 alleles (0.00044%); highest among the groups gnomAD compares: East Asian, 0.0023%; no homozygotes.

Submission:

Labcorp Genetics (formerly Invitae), Labcorp
Classification: Uncertain significance. Last evaluated: 2022-01-11. Review status: criteria provided, single submitter. Criteria: Invitae Variant Classification Sherloc (09022015). Collection method: clinical testing. Allele origin: germline.
Comment: In summary, the available evidence is currently insufficient to determine the role of this variant in disease. Therefore, it has been classified as a Variant of Uncertain Significance. Algorithms developed to predict the effect of missense changes on protein structure and function are either unavailable or do not agree on the potential impact of this missense change (SIFT: "Deleterious"; PolyPhen-2: "Possibly Damaging"; Align-GVGD: "Class C0"). This variant has not been reported in the literature in individuals affected with CCDC88A-related conditions. This variant is present in population databases (rs140500773, gnomAD 0.001%). This sequence change replaces tyrosine, which is neutral and polar, with cysteine, which is neutral and slightly polar, at codon 620 of the CCDC88A protein (p.Tyr620Cys).